The following is an entry in ClinVar:

ClinVar aggregate classification (germline): Likely benign (0 of 4 stars; one submission).

Conditions:
CEP290-related disorder. Also called: CEP290-related condition; CEP290-related disorders. Identifiers: MedGen CN239314.

Submission:

PreventionGenetics, part of Exact Sciences
Classification: Likely benign for CEP290-related condition. Last evaluated: 2023-01-27. Review status: no assertion criteria provided. Collection method: clinical testing. Allele origin: germline.
Comment: This variant is classified as likely benign based on ACMG/AMP sequence variant interpretation guidelines (Richards et al. 2015 PMID: 25741868, with internal and published modifications).

NM_025114.4(CEP290):c.2028C>T (p.Ile676=)

Gene: CEP290 (centrosomal protein 290; minus strand). Cytogenetic location: 12q21.32.
Variant type: single nucleotide variant.
Coding change: c.2028C>T on transcript NM_025114.4 (MANE Select); coding-DNA position 2028, C replaced by T.
Protein change: p.Ile676=; no amino-acid change (isoleucine 676 retained).
Molecular consequence: synonymous variant.
Genome position (GRCh38, 1-based): chr12:88,114,444, G>A on the plus strand (C>T on the coding strand, the complement: CEP290 is on the minus strand). VCF-style: chr12-88114444-G-A. GRCh37 (hg19) VCF-style: chr12-88508221-G-A.
Identifiers: ClinVar variation 3351678 (VCV003351678.1).
Genomic context (GRCh38, chr12:88,114,444, plus strand): 5'-TAGGGGAAAAACATTAACATGAAAAAAATAACTTACATTAACTAGTCTTTCAAGGCTAGG[G>A]ATAATTAGAGATGTTTCTCCTCCTTTAACATCAGGATCTTTCTGCATTTCCTTAATTGCT-3'
Protein context (NP_079390.3, residues 666-686): DVKGGETSLI[Ile676=]PSLERLVNAI